The following is an entry in ClinVar:

ClinVar aggregate classification (germline): Benign/Likely benign. Review status: criteria provided, multiple submitters, no conflicts (2 of 4 stars). 3 submissions from 3 submitters: Benign (1); Likely benign (2). Last evaluated 2026-08-13.

Conditions:
KIAA1549-related disorder. Also called: KIAA1549-related condition.

Allele frequency attached by ClinVar (database versions not stated): gnomAD exomes 0.00015 and 0.00030; ExAC 0.00033; ESP Exome Variant Server 0.00117; 1000 Genomes Project 0.00120; 1000 Genomes Project 30x 0.00141; gnomAD 0.00155 and 0.00167; TOPMed 0.00166.
gnomAD v4.1: 469 of 1,613,802 alleles (0.029%); highest among the groups gnomAD compares: African/African-American, 0.49%; 2 homozygotes.

Submissions (3):

PreventionGenetics, part of Exact Sciences
Classification: Likely benign for KIAA1549-related condition. Last evaluated: 2026-08-13. Review status: criteria provided, single submitter. Criteria: ACMG Guidelines, 2015. Collection method: clinical testing. Allele origin: germline.
Comment: This variant is classified as likely benign based on ACMG/AMP sequence variant interpretation guidelines (Richards et al. 2015 PMID: 25741868, with internal and published modifications).

Labcorp Genetics (formerly Invitae), Labcorp
Classification: Benign. Last evaluated: 2026-01-26. Review status: criteria provided, single submitter. Criteria: Invitae Variant Classification Sherloc (09022015). Collection method: clinical testing. Allele origin: germline.

Blueprint Genetics
Classification: Likely benign. Last evaluated: 2024-10-22. Review status: criteria provided, single submitter. Criteria: ACMG Guidelines, 2015. Collection method: clinical testing. Allele origin: germline.

NM_001164665.2(KIAA1549):c.885C>T (p.Asp295=)

Gene: KIAA1549 (KIAA1549; minus strand). Cytogenetic location: 7q34.
Variant type: single nucleotide variant.
Coding change: c.885C>T on transcript NM_001164665.2 (MANE Select); coding-DNA position 885, C replaced by T.
Protein change: p.Asp295=; no amino-acid change (aspartic acid 295 retained).
Molecular consequence: synonymous variant.
Genome position (GRCh38, 1-based): chr7:138,918,741, G>A on the plus strand (C>T on the coding strand, the complement: KIAA1549 is on the minus strand). VCF-style: chr7-138918741-G-A. GRCh37 (hg19) VCF-style: chr7-138603487-G-A.
Other names: c.885C>T, p.Asp295= (NM_020910.3).
Identifiers: ClinVar variation 723951 (VCV000723951.13), dbSNP rs79934303, ClinGen allele CA4506840.